The following is an entry in ClinVar:

NM_002693.3(POLG):c.1950-3C>T

Gene: POLG (DNA polymerase gamma, catalytic subunit; minus strand). Cytogenetic location: 15q26.1.
Variant type: single nucleotide variant.
Coding change: c.1950-3C>T on transcript NM_002693.3 (MANE Select); 3 bases into the intron before coding-DNA position 1950, C replaced by T.
Molecular consequence: intron variant.
Genome position (GRCh38, 1-based): chr15:89,324,230, G>A on the plus strand (C>T on the coding strand, the complement: POLG is on the minus strand). VCF-style: chr15-89324230-G-A. GRCh37 (hg19) VCF-style: chr15-89867461-G-A.
Other names: c.1950-3C>T (NM_001126131.2).
Identifiers: ClinVar variation 1018409 (VCV001018409.9), dbSNP rs750837914, ClinGen allele CA7724635.
Genomic context (GRCh38, chr15:89,324,230, plus strand): 5'-CATCAGCTGCTGCTTCCCCTGTTCGAGACAGTGCTTCCTGTACAGGGACTCGATGGCTCT[G>A]GGCAGAGAACAGTAGCAGCAGCAGCCGCTGATTACCAGATGCCCACTCTGGGCCAGGCAG-3'

ClinVar aggregate classification (germline): Uncertain significance (1 of 4 stars; one submission).

Conditions:
Progressive sclerosing poliodystrophy (MTDPS4A). Also called: ALPERS PROGRESSIVE INFANTILE POLIODYSTROPHY; ALPERS DIFFUSE DEGENERATION OF CEREBRAL GRAY MATTER WITH HEPATIC CIRRHOSIS; Alpers-Huttenlocher Syndrome; NEURONAL DEGENERATION OF CHILDHOOD WITH LIVER DISEASE, PROGRESSIVE; Alpers Syndrome; Mitochondrial DNA Depletion Syndrome 4A. Identifiers: Orphanet 726, MedGen C0205710, MONDO:0008758, OMIM 203700.

Allele frequency attached by ClinVar (database versions not stated): gnomAD exomes below 0.00001; ExAC 0.00001.

Submission:

Labcorp Genetics (formerly Invitae), Labcorp
Classification: Uncertain significance for Progressive sclerosing poliodystrophy. Last evaluated: 2022-10-18. Review status: criteria provided, single submitter. Criteria: Invitae Variant Classification Sherloc (09022015). Collection method: clinical testing. Allele origin: germline.
Comment: Variants that disrupt the consensus splice site are a relatively common cause of aberrant splicing (PMID: 17576681, 9536098). Algorithms developed to predict the effect of sequence changes on RNA splicing suggest that this variant may create or strengthen a splice site. In summary, the available evidence is currently insufficient to determine the role of this variant in disease. Therefore, it has been classified as a Variant of Uncertain Significance. ClinVar contains an entry for this variant (Variation ID: 1018409). This sequence change falls in intron 10 of the POLG gene. It does not directly change the encoded amino acid sequence of the POLG protein. It affects a nucleotide within the consensus splice site. This variant is present in population databases (rs750837914, gnomAD 0.003%). This variant has not been reported in the literature in individuals affected with POLG-related conditions.

Literature cited by the submitters: PubMed 17576681; PubMed 9536098.